The following is an entry in ClinVar:

NM_174916.3(UBR1):c.3513T>G (p.Tyr1171Ter)

Gene: UBR1 (ubiquitin protein ligase E3 component n-recognin 1; minus strand). Cytogenetic location: 15q15.2.
Variant type: single nucleotide variant.
Coding change: c.3513T>G on transcript NM_174916.3 (MANE Select); coding-DNA position 3513, T replaced by G.
Protein change: p.Tyr1171Ter; replaces tyrosine 1171 with a stop codon.
Molecular consequence: nonsense.
Genome position (GRCh38, 1-based): chr15:43,002,701, A>C on the plus strand (T>G on the coding strand, the complement: UBR1 is on the minus strand). VCF-style: chr15-43002701-A-C. GRCh37 (hg19) VCF-style: chr15-43294899-A-C.
Other names: short protein forms Y1171*.
Identifiers: ClinVar variation 3381892 (VCV003381892.2).

ClinVar aggregate classification (germline): Likely pathogenic (1 of 4 stars; one submission).

Conditions:
Johanson-Blizzard syndrome (JBS). Also called: Nasal alar hypoplasia, hypothyroidism, pancreatic achylia and congenital deafness. Identifiers: Orphanet 2315, MedGen C0175692, MONDO:0009479, OMIM 243800.

Submission:

Juno Genomics, Hangzhou Juno Genomics, Inc
Classification: Likely pathogenic for Johanson-Blizzard syndrome. Review status: criteria provided, single submitter. Criteria: ACMG Guidelines, 2015. Collection method: clinical testing. Allele origin: germline. Affected: yes.
Comment: Null variant in a gene where loss of function (LOF) is a known mechanism of disease.;Absent from controls (or at extremely low frequency if recessive) in Genome Aggregation Database, Exome Sequencing Project, 1000 Genomes Project, or Exome Aggregation Consortium.